The following is an entry in ClinVar:

NM_206933.4(USH2A):c.10741-2A>T

Gene: USH2A (usherin; minus strand). Cytogenetic location: 1q41.
Variant type: single nucleotide variant.
Coding change: c.10741-2A>T on transcript NM_206933.4 (MANE Select); the canonical splice acceptor site of the intron before coding-DNA position 10741, A replaced by T.
Molecular consequence: splice acceptor variant.
Genome position (GRCh38, 1-based): chr1:215,780,043, T>A on the plus strand (A>T on the coding strand, the complement: USH2A is on the minus strand). VCF-style: chr1-215780043-T-A. GRCh37 (hg19) VCF-style: chr1-215953385-T-A.
Identifiers: ClinVar variation 4716252 (VCV004716252.1).

ClinVar aggregate classification (germline): Pathogenic (1 of 4 stars; one submission).

Submission:

Labcorp Genetics (formerly Invitae), Labcorp
Classification: Pathogenic. Last evaluated: 2025-07-16. Review status: criteria provided, single submitter. Criteria: Invitae Variant Classification Sherloc (09022015). Collection method: clinical testing. Allele origin: germline.
Comment: This sequence change affects an acceptor splice site in intron 54 of the USH2A gene. It is expected to disrupt RNA splicing. Variants that disrupt the donor or acceptor splice site typically lead to a loss of protein function (PMID: 16199547), and loss-of-function variants in USH2A are known to be pathogenic (PMID: 10729113, 10909849, 20507924, 25649381). This variant is not present in population databases (gnomAD no frequency). Disruption of this splice site has been observed in individual(s) with USH2A-related conditions (internal data). In at least one individual the data is consistent with being in trans (on the opposite chromosome) from a pathogenic variant. Algorithms developed to predict the effect of sequence changes on RNA splicing suggest that this variant may disrupt the consensus splice site. For these reasons, this variant has been classified as Pathogenic.

Literature cited by the submitters: PubMed 16199547; PubMed 10729113; PubMed 10909849; PubMed 20507924; PubMed 25649381.